The following is an entry in ClinVar:

NM_001352514.2(HLCS):c.1591_1592insGAGACAGT (p.Thr531fs)

Gene: HLCS (holocarboxylase synthetase; minus strand). Cytogenetic location: 21q22.13.
Variant type: Insertion.
Coding change: c.1591_1592insGAGACAGT on transcript NM_001352514.2 (MANE Select); coding-DNA positions 1591 to 1592, GAGACAGT inserted.
Protein change: p.Thr531fs; shifts the reading frame from threonine 531.
Molecular consequence: frameshift variant. On other transcripts: non-coding transcript variant (2).
Genome position: GRCh38 VCF-style: chr21-36930279-G-GACTGTCTC. GRCh37 (hg19) VCF-style: chr21-38302579-G-GACTGTCTC.
Other names: c.1150_1151insGAGACAGT, p.Thr384fs (NM_000411.8, NM_001242784.3, NM_001242785.2 and 4 more transcripts); short protein forms T384fs, T531fs.
Identifiers: ClinVar variation 5011491 (VCV005011491.1).

ClinVar aggregate classification (germline): Pathogenic (1 of 4 stars; one submission).

Conditions:
Holocarboxylase synthetase deficiency. Also called: MULTIPLE CARBOXYLASE DEFICIENCY, EARLY ONSET. Identifiers: Orphanet 79242, MedGen C0268581, MONDO:0009666, OMIM 253270.

Submission:

Myriad Genetics, Inc.
Classification: Pathogenic for Holocarboxylase synthetase deficiency. Last evaluated: 2023-08-30. Review status: criteria provided, single submitter. Criteria: Myriad Autosomal Dominant, Autosomal Recessive and X-Linked Classification Criteria (2023). Collection method: clinical testing. Allele origin: unknown.
Comment: NM_000411.6(HLCS):c.1150_1151ins8(T384Rfs*33) is expected to be pathogenic in the context of holocarboxylase synthetase deficiency. This variant is predicted to lead to an abnormal or absent protein product due to the creation of a premature termination codon in HLCS, a gene where loss-of-function variants are known to be pathogenic. Please note: this variant was assessed in the context of healthy population screening.